The following is an entry in ClinVar:

ClinVar aggregate classification (germline): Uncertain significance (1 of 4 stars; one submission).

Allele frequency attached by ClinVar (database versions not stated): gnomAD 0.00002; TOPMed 0.00002; gnomAD exomes 0.00004.
gnomAD v4.1: 48 of 1,289,618 alleles (0.0037%); highest among the groups gnomAD compares: Non-Finnish European, 0.0045%; no homozygotes.

Submission:

Labcorp Genetics (formerly Invitae), Labcorp
Classification: Uncertain significance. Last evaluated: 2022-10-17. Review status: criteria provided, single submitter. Criteria: Invitae Variant Classification Sherloc (09022015). Collection method: clinical testing. Allele origin: germline.
Comment: This sequence change falls in intron 1 of the NPPC gene. It does not directly change the encoded amino acid sequence of the NPPC protein. It affects a nucleotide within the consensus splice site. This variant is not present in population databases (gnomAD no frequency). This variant has not been reported in the literature in individuals affected with NPPC-related conditions. ClinVar contains an entry for this variant (Variation ID: 1424834). Variants that disrupt the consensus splice site are a relatively common cause of aberrant splicing (PMID: 17576681, 9536098). Algorithms developed to predict the effect of sequence changes on RNA splicing suggest that this variant is not likely to affect RNA splicing. In summary, the available evidence is currently insufficient to determine the role of this variant in disease. Therefore, it has been classified as a Variant of Uncertain Significance.

Literature cited by the submitters: PubMed 17576681; PubMed 9536098.

NM_024409.4(NPPC):c.90+5G>A

Gene: NPPC (natriuretic peptide C; minus strand). Cytogenetic location: 2q37.1.
Variant type: single nucleotide variant.
Coding change: c.90+5G>A on transcript NM_024409.4 (MANE Select); 5 bases into the intron after coding-DNA position 90, G replaced by A.
Molecular consequence: intron variant.
Genome position (GRCh38, 1-based): chr2:231,926,155, C>T on the plus strand (G>A on the coding strand, the complement: NPPC is on the minus strand). VCF-style: chr2-231926155-C-T. GRCh37 (hg19) VCF-style: chr2-232790865-C-T.
Identifiers: ClinVar variation 1424834 (VCV001424834.6), dbSNP rs949354951, ClinGen allele CA67489398.